The following is an entry in ClinVar:

NM_170606.3(KMT2C):c.14195C>T (p.Thr4732Ile)

Gene: KMT2C (lysine methyltransferase 2C; minus strand). Cytogenetic location: 7q36.1.
Variant type: single nucleotide variant.
Coding change: c.14195C>T on transcript NM_170606.3 (MANE Select); coding-DNA position 14195, C replaced by T.
Protein change: p.Thr4732Ile; replaces threonine 4732 with isoleucine.
Molecular consequence: missense variant.
Genome position (GRCh38, 1-based): chr7:152,144,861, G>A on the plus strand (C>T on the coding strand, the complement: KMT2C is on the minus strand). VCF-style: chr7-152144861-G-A. GRCh37 (hg19) VCF-style: chr7-151841946-G-A.
Other names: short protein forms T4732I.
Identifiers: ClinVar variation 2854682 (VCV002854682.3), dbSNP rs2129092854, ClinGen allele CA370087959.

ClinVar aggregate classification (germline): Uncertain significance (1 of 4 stars; one submission).

Submission:

Labcorp Genetics (formerly Invitae), Labcorp
Classification: Uncertain significance. Last evaluated: 2024-10-23. Review status: criteria provided, single submitter. Criteria: Invitae Variant Classification Sherloc (09022015). Collection method: clinical testing. Allele origin: germline.
Comment: This sequence change replaces threonine, which is neutral and polar, with isoleucine, which is neutral and non-polar, at codon 4732 of the KMT2C protein (p.Thr4732Ile). This variant is not present in population databases (gnomAD no frequency). This variant has not been reported in the literature in individuals affected with KMT2C-related conditions. An algorithm developed to predict the effect of missense changes on protein structure and function (PolyPhen-2) suggests that this variant is likely to be disruptive. In summary, the available evidence is currently insufficient to determine the role of this variant in disease. Therefore, it has been classified as a Variant of Uncertain Significance.